The following is an entry in ClinVar:

NM_001868.4(CPA1):c.497G>C (p.Gly166Ala)

Gene: CPA1 (carboxypeptidase A1; plus strand). Cytogenetic location: 7q32.2.
Variant type: single nucleotide variant.
Coding change: c.497G>C on transcript NM_001868.4 (MANE Select); coding-DNA position 497, G replaced by C.
Protein change: p.Gly166Ala; replaces glycine 166 with alanine.
Molecular consequence: missense variant.
Genome position (GRCh38, 1-based): chr7:130,383,404, G>C. VCF-style: chr7-130383404-G-C. GRCh37 (hg19) VCF-style: chr7-130023245-G-C.
Other names: short protein forms G166A.
Identifiers: ClinVar variation 1053710 (VCV001053710.9), dbSNP rs144546424, ClinGen allele CA369282141.

ClinVar aggregate classification (germline): Uncertain significance (1 of 4 stars; one submission).

Submission:

Labcorp Genetics (formerly Invitae), Labcorp
Classification: Uncertain significance. Last evaluated: 2020-02-11. Review status: criteria provided, single submitter. Criteria: Invitae Variant Classification Sherloc (09022015). Collection method: clinical testing. Allele origin: germline.
Comment: This variant is not present in population databases (ExAC no frequency). This sequence change replaces glycine with alanine at codon 166 of the CPA1 protein (p.Gly166Ala). The glycine residue is highly conserved and there is a small physicochemical difference between glycine and alanine. This variant has not been reported in the literature in individuals with CPA1-related conditions. Algorithms developed to predict the effect of missense changes on protein structure and function are either unavailable or do not agree on the potential impact of this missense change (SIFT: "Deleterious"; PolyPhen-2: "Benign"; Align-GVGD: "Class C0"). In summary, the available evidence is currently insufficient to determine the role of this variant in disease. Therefore, it has been classified as a Variant of Uncertain Significance.